The following is an entry in ClinVar:

ClinVar aggregate classification (germline): Pathogenic/Likely pathogenic. Review status: criteria provided, multiple submitters, no conflicts (2 of 4 stars). 12 submissions from 12 submitters: Pathogenic (5); Likely pathogenic (4). 3 of the submissions do not count toward it. Last evaluated 2025-10-29.

Conditions:
Neurodevelopmental disorder, mitochondrial, with abnormal movements and lactic acidosis, with or without seizures. Identifiers: Orphanet 572798, MedGen C4540192, MONDO:0060578, OMIM 617710.
WARS2-related disorder. Also called: WARS2-related disorders; WARS2 related condition.
Inborn genetic diseases. Identifiers: MedGen C0950123, MeSH D030342.

Allele frequency attached by ClinVar (database versions not stated): ExAC 0.00015; ESP Exome Variant Server 0.00023; gnomAD exomes 0.00024 and 0.00053; 1000 Genomes Project 30x 0.00031; gnomAD 0.00032 and 0.00035; TOPMed 0.00034.
gnomAD v4.1: 804 of 1,614,272 alleles (0.05%); highest among the groups gnomAD compares: Non-Finnish European, 0.065%; no homozygotes.

Submissions (12):

PreventionGenetics, part of Exact Sciences
Classification: Likely pathogenic for WARS2-related condition. Last evaluated: 2025-10-29. Review status: criteria provided, single submitter. Criteria: ACMG Guidelines, 2015. Collection method: clinical testing. Allele origin: germline.
Comment: The WARS2 c.938A>T variant is predicted to result in the amino acid substitution p.Lys313Met. This variant was previously reported in the compound heterozygous state in multiple individuals who presented with neonatal or infantile-onset mitochondrial encephalopathy (Theisen et al. 2017. PubMed ID: 28650581; Wortmann et al. 2017. PubMed ID: 28905505; Vantroys et al. 2018. PubMed ID: 29783990; Maffezzini et al. 2019. PubMed ID: 30920170). This variant is reported in 0.047% of alleles in individuals of European (Non-Finnish) descent in gnomAD. This variant is interpreted as likely pathogenic.

Labcorp Genetics (formerly Invitae), Labcorp
Classification: Pathogenic. Last evaluated: 2025-09-05. Review status: criteria provided, single submitter. Criteria: Invitae Variant Classification Sherloc (09022015). Collection method: clinical testing. Allele origin: germline.
Comment: This sequence change replaces lysine, which is basic and polar, with methionine, which is neutral and non-polar, at codon 313 of the WARS2 protein (p.Lys313Met). This variant is present in population databases (rs145867327, gnomAD 0.05%). This missense change has been observed in individuals with WARS2-related leukoencephalopathy (PMID: 28650581, 28905505, 29783990, 30920170, 31282308). It has also been observed to segregate with disease in related individuals. ClinVar contains an entry for this variant (Variation ID: 440917). Invitae Evidence Modeling of protein sequence and biophysical properties (such as structural, functional, and spatial information, amino acid conservation, physicochemical variation, residue mobility, and thermodynamic stability) indicates that this missense variant is not expected to disrupt WARS2 protein function with a negative predictive value of 80%. For these reasons, this variant has been classified as Pathogenic.

Ambry Genetics
Classification: Likely pathogenic for Inborn genetic diseases. Last evaluated: 2025-07-25. Review status: criteria provided, single submitter. Criteria: Ambry Variant Classification Scheme 2023. Collection method: clinical testing. Allele origin: germline.
Comment: The p.K313M variant (also known as c.938A>T), located in coding exon 6 of the WARS2 gene, results from an A to T substitution at nucleotide position 938. The lysine at codon 313 is replaced by methionine, an amino acid with similar properties. This variant has been identified in the homozygous state and/or in conjunction with other WARS2 variant(s) in individual(s) with features consistent with mitochondrial tryptophanyl-tRNA synthetase deficiency; in at least one instance, the variants were identified in trans (Theisen BE et al. Am J Med Genet A, 2017 Sep;173:2505-2510; Wortmann SB et al. Hum Mutat, 2017 Dec;38:1786-1795; Vantroys E et al. Orphanet J Rare Dis, 2018 May;13:80; Maffezzini C et al. Mol Genet Genomic Med, 2019 Jun;7:e654; Virdee M et al. J Child Neurol, 2019 Oct;34:778-781). This amino acid position is well conserved in available vertebrate species. In addition, this alteration is predicted to be tolerated by in silico analysis. Based on data from gnomAD, the T allele has an overall frequency of 0.0244% (69/282894) total alleles studied. The highest observed frequency was 0.0472% (61/129200) of European (non-Finnish) alleles. Based on the majority of available evidence to date, this variant is likely to be pathogenic.

Blueprint Genetics
Classification: Pathogenic for WARS2-related disorders. Last evaluated: 2024-10-17. Review status: criteria provided, single submitter. Criteria: ACMG Guidelines, 2015. Collection method: clinical testing. Allele origin: germline. Affected: yes. Observed: 5 variant alleles.

Rady Children's Institute for Genomic Medicine, Rady Children's Hospital San Diego
Classification: Pathogenic for WARS2-related disorders. Last evaluated: 2024-04-01. Review status: criteria provided, single submitter. Criteria: ACMG Guidelines, 2015. Collection method: clinical testing. Allele origin: germline. Affected: yes.
Comment: This variant has been previously reported as a compound heterozygous change in individuals with WARS2-related disorders (PMID: 28650581, 28905505, 30920170, 31282308, 35074316). Functional studies of patient fibroblasts and cells as well as expression in a yeast model provide evidence this variant impacts proper functioning of the protein (PMID: 28650581, 28905505, 30920170). The c.938A>T (p.Lys313Met) variant affects a moderately conserved amino acid and is predicted by multiple in silico tools to have a deleterious effect on protein function. The c.938A>T (p.Lys313Met) variant is present in the heterozygous state in the gnomAD V4 population database at a frequency of 0.05% (804/1614272) and is absent in the homozygous state, thus is presumed to be rare. Based on the available evidence, the c.938A>T (p.Lys313Met) variant is classified as Pathogenic.

Women's Health and Genetics/Laboratory Corporation of America, LabCorp
Classification: Pathogenic for WARS2-Related Disorders. Last evaluated: 2023-07-27. Review status: criteria provided, single submitter. Criteria: LabCorp Variant Classification Summary - May 2015. Collection method: clinical testing. Allele origin: germline.
Comment: Variant summary: WARS2 c.938A>T (p.Lys313Met) results in a non-conservative amino acid change in the encoded protein sequence. Three of five in-silico tools predict a damaging effect of the variant on protein function. The variant allele was found at a frequency of 0.00024 in 251486 control chromosomes (gnomAD). c.938A>T has been reported in the literature as a compound heterozygous genotype in multiple extensively genotyped individuals affected with WARS2-Related Disorders, primarily presenting with a combination of leukoencephalopathy, developmental delay, abnormal movements and lactic acidosis, and it has been found to segregate with the disorder in an autosomal recessive inheritance pattern within families (e.g. Theisen_2017, Wortmann_2017, Vantroys_2018, Maffezzini_2019). These data indicate that the variant is very likely to be associated with disease. The following publications have been ascertained in the context of this evaluation (PMID: 30920170, 28650581, 29783990, 28905505). Two submitters have cited clinical-significance assessments for this variant to ClinVar after 2014 and classified the variant as pathogenic (n=1)/likely pathogenic (n=1). Based on the evidence outlined above, the variant was classified as pathogenic.

Molecular Genetics, Royal Melbourne Hospital
Classification: Likely pathogenic for Neurodevelopmental disorder, mitochondrial, with abnormal movements and lactic acidosis, with or without seizures. Last evaluated: 2023-03-30. Review status: criteria provided, single submitter. Criteria: ACMG Guidelines, 2015. Collection method: clinical testing. Allele origin: germline.
Comment: This sequence change in WARS2 is predicted to replace lysine with methionine at codon 313, p.(Lys313Met). The lysine residue is highly conserved (100 vertebrates, UCSC), and is located in an helical region. There is a moderate physicochemical difference between lysine and methionine. The highest population minor allele frequency in gnomAD v2.1 is 0.05% (61/129,200 alleles) in the European (non-Finnish) population, which is conistent with a recessive condition. This variant has been detected in at least six individuals with early onset complex neurodevelopmental disorders. Of those individuals, three individuals were compound heterozygous for the variant and a likely pathogenic variant and one of those were confirmed in trans by parental testing (PMID: 28650581, 28905505, 29783990, 30920170, 31282308). The variant has been reported to segregate with disease in at least two families (PMID: 28905505, 30920170). At least three patient's with this variant displayed oxidative phophorylation complex analyses conistent with a defect in mitochondrial gene expression in patient cells (PMID: 28650581, 29783990, 30920170). Multiple lines of computational evidence have conflicting predictions for the missense substitution (3/6 algorithms predict deleterious). Based on the classification scheme RMH Modified ACMG Guidelines v1.5.1, this variant is classified as LIKELY PATHOGENIC. Following criteria are met: PM3_Strong, PP1_Moderate, PM2_Supporting, PP4.

Department of Pathology and Laboratory Medicine, Sinai Health System
Classification: Pathogenic for Neurodevelopmental disorder, mitochondrial, with abnormal movements and lactic acidosis, with or without seizures. Last evaluated: 2023-01-09. Review status: criteria provided, single submitter. Criteria: ACMG Guidelines, 2015. Collection method: research. Allele origin: germline.

Genetic Services Laboratory, University of Chicago
Classification: Likely pathogenic. Last evaluated: 2018-01-23. Review status: criteria provided, single submitter. Criteria: ACMG Guidelines, 2015. Collection method: clinical testing. Allele origin: germline. Affected: yes.

OMIM
Classification: Pathogenic for NEURODEVELOPMENTAL DISORDER, MITOCHONDRIAL, WITH ABNORMAL MOVEMENTS AND LACTIC ACIDOSIS, WITH OR WITHOUT SEIZURES. Last evaluated: 2022-02-17. Review status: no assertion criteria provided. Collection method: literature only. Allele origin: germline. Not counted in ClinVar's aggregate classification.

Clinical Genetics DNA and cytogenetics Diagnostics Lab, Erasmus MC, Erasmus Medical Center
Classification: Likely pathogenic. Review status: no assertion criteria provided. Collection method: clinical testing. Allele origin: germline. Affected: yes. Study: VKGL Data-share Consensus. Not counted in ClinVar's aggregate classification.

Diagnostic Laboratory, Department of Genetics, University Medical Center Groningen
Classification: Pathogenic. Review status: no assertion criteria provided. Collection method: clinical testing. Allele origin: germline. Affected: yes. Study: VKGL Data-share Consensus. Not counted in ClinVar's aggregate classification.

Literature cited by the submitters: PubMed 28650581 (cited by 5 submitters); PubMed 28905505 (cited by 5 submitters); PubMed 29783990 (cited by 4 submitters); PubMed 30920170 (cited by 5 submitters); PubMed 31282308 (cited by 3 submitters); PubMed 35074316 (cited by OMIM).

NM_015836.4(WARS2):c.938A>T (p.Lys313Met)

Gene: WARS2 (tryptophanyl tRNA synthetase 2, mitochondrial; minus strand). Cytogenetic location: 1p12.
Variant type: single nucleotide variant.
Coding change: c.938A>T on transcript NM_015836.4 (MANE Select); coding-DNA position 938, A replaced by T.
Protein change: p.Lys313Met; replaces lysine 313 with methionine.
Molecular consequence: missense variant. On other transcripts: 3 prime UTR variant (2).
Genome position (GRCh38, 1-based): chr1:119,033,056, T>A on the plus strand (A>T on the coding strand, the complement: WARS2 is on the minus strand). VCF-style: chr1-119033056-T-A. GRCh37 (hg19) VCF-style: chr1-119575679-T-A.
Other names: c.869A>T, p.Lys290Met (NM_001378226.1, NM_001378227.1); c.767A>T, p.Lys256Met (NM_001378228.1); c.680A>T, p.Lys227Met (NM_001378229.1); c.656A>T, p.Lys219Met (NM_001378230.1); c.*273A>T (NM_001378231.1); c.*304A>T (NM_201263.2); short protein forms K313M, K219M, K227M, K256M, K290M.
Identifiers: ClinVar variation 440917 (VCV000440917.24), dbSNP rs145867327, ClinGen allele CA1035179.
Genomic context (GRCh38, chr1:119,033,056, plus strand): 5'-TTCTCTAAATGGTCCTTGTCCAGCTTCAGTTTTTCAATTTCACGCTTAATTGGGGCAAAC[T>A]TCTCAATCACAGCATCTGCCACGGCCAGCTTGTAGCGAGCAGTGTTCATGCCCGCGCTGC-3'
Protein context (NP_056651.1, residues 303-323): KLAVADAVIE[Lys313Met]FAPIKREIEK